The following is an entry in ClinVar:

NM_001177316.2(SLC34A3):c.867T>A (p.Cys289Ter)

Gene: SLC34A3 (solute carrier family 34 member 3; plus strand). Cytogenetic location: 9q34.3.
Variant type: single nucleotide variant.
Coding change: c.867T>A on transcript NM_001177316.2 (MANE Select); coding-DNA position 867, T replaced by A.
Protein change: p.Cys289Ter; replaces cysteine 289 with a stop codon.
Molecular consequence: nonsense.
Genome position (GRCh38, 1-based): chr9:137,233,883, T>A. VCF-style: chr9-137233883-T-A. GRCh37 (hg19) VCF-style: chr9-140128335-T-A.
Other names: c.867T>A, p.Cys289Ter (NM_001177317.2, NM_080877.3); short protein forms C289*.
Identifiers: ClinVar variation 4688154 (VCV004688154.1).

ClinVar aggregate classification (germline): Likely pathogenic (1 of 4 stars; one submission).

Conditions:
Autosomal recessive hypophosphatemic bone disease (HHRH). Also called: Hypophosphatemic rickets with hypercalciuria; HYPERCALCIURIC RICKETS. Identifiers: Orphanet 157215, MedGen C1853271, MONDO:0009431, OMIM 241530.

Submission:

MVZ Medizinische Genetik Mainz
Classification: Likely pathogenic for Autosomal recessive hypophosphatemic bone disease. Last evaluated: 2026-01-12. Review status: criteria provided, single submitter. Criteria: UK Practice Guidelines For Variant Classification V4 01 2020. Collection method: clinical testing. Allele origin: germline. Inheritance: Autosomal dominant inheritance. Affected: yes. Observed: 1 variant allele.
Comment: ACMG Criteria: PVS1,PM2_SUP